The following is an entry in ClinVar:

NM_001128178.3(NPHP1):c.2T>C (p.Met1Thr)

Gene: NPHP1 (nephrocystin 1; minus strand). Cytogenetic location: 2q13.
Variant type: single nucleotide variant.
Coding change: c.2T>C on transcript NM_001128178.3 (MANE Select); coding-DNA position 2, T replaced by C.
Protein change: p.Met1Thr; changes the start codon (methionine 1).
Molecular consequence: missense variant, initiator codon variant.
Genome position (GRCh38, 1-based): chr2:110,204,967, A>G on the plus strand (T>C on the coding strand, the complement: NPHP1 is on the minus strand). VCF-style: chr2-110204967-A-G. GRCh37 (hg19) VCF-style: chr2-110962544-A-G.
Other names: c.2T>C, p.Met1Thr (NM_000272.5, NM_001128179.3, NM_001374256.1 and 2 more transcripts); short protein forms M1T.
Identifiers: ClinVar variation 3063842 (VCV003063842.1), dbSNP rs2467622201, ClinGen allele CA348094365.

ClinVar aggregate classification (germline): Uncertain significance (1 of 4 stars; one submission).

Allele frequency attached by ClinVar (database versions not stated): gnomAD exomes below 0.00001.

Submission:

Women's Health and Genetics/Laboratory Corporation of America, LabCorp
Classification: Uncertain significance. Last evaluated: 2024-01-11. Review status: criteria provided, single submitter. Criteria: LabCorp Variant Classification Summary - May 2015. Collection method: clinical testing. Allele origin: germline.
Comment: Variant summary: NPHP1 c.2T>C (p.Met1Thr) alters the initiation codon and is predicted to result either in absence of the protein or truncation of the encoded protein due to translation initiation at a downstream codon. An alternative downstream in-frame start codon (p.Met276) is located in exon 8 of the encoded protein. An activation of potential downstream translation initiation site would result in a shortened protein missing the SH3 domain from the protein sequence. Missense variants upstream of this position have not been classified Pathogenic by our lab or in ClinVar. The variant was absent in 250708 control chromosomes (gnomAD). The available data on variant occurrences in the general population are insufficient to allow any conclusion about variant significance. To our knowledge, no occurrence of c.2T>C in individuals affected with Joubert Syndrome And Related Disorders and no experimental evidence demonstrating its impact on protein function have been reported. No submitters have cited clinical-significance assessments for this variant to ClinVar. Based on the evidence outlined above, the variant was classified as uncertain significance.